The following is an entry in ClinVar:

NM_001195263.2(PDZD7):c.786C>T (p.Asn262=)

Gene: PDZD7 (PDZ domain containing 7; minus strand). Cytogenetic location: 10q24.31.
Variant type: single nucleotide variant.
Coding change: c.786C>T on transcript NM_001195263.2 (MANE Select); coding-DNA position 786, C replaced by T.
Protein change: p.Asn262=; no amino-acid change (asparagine 262 retained).
Molecular consequence: synonymous variant.
Genome position (GRCh38, 1-based): chr10:101,021,879, G>A on the plus strand (C>T on the coding strand, the complement: PDZD7 is on the minus strand). VCF-style: chr10-101021879-G-A. GRCh37 (hg19) VCF-style: chr10-102781636-G-A.
Other names: c.786C>T, p.Asn262= (NM_001351044.2, NM_024895.5).
Identifiers: ClinVar variation 1168178 (VCV001168178.22), dbSNP rs148746572, ClinGen allele CA5654252.

ClinVar aggregate classification (germline): Benign/Likely benign. Review status: criteria provided, multiple submitters, no conflicts (2 of 4 stars). 5 submissions from 5 submitters: Benign (1); Likely benign (4). Last evaluated 2026-08-01.

Allele frequency attached by ClinVar (database versions not stated): 1000 Genomes Project 30x 0.00031; 1000 Genomes Project 0.00040; ESP Exome Variant Server 0.00046; TOPMed 0.00049; gnomAD 0.00080 and 0.00084; ExAC 0.00101; gnomAD exomes 0.00117.

Submissions (5):

CeGaT Center for Human Genetics Tuebingen
Classification: Likely benign. Last evaluated: 2026-08-01. Review status: criteria provided, single submitter. Criteria: CeGaT Center For Human Genetics Tuebingen Variant Classification Criteria Version 2. Collection method: clinical testing. Allele origin: germline. Affected: yes. Observed: 2 variant alleles.
Comment: PDZD7: BP4, BP7

Labcorp Genetics (formerly Invitae), Labcorp
Classification: Benign. Last evaluated: 2026-01-06. Review status: criteria provided, single submitter. Criteria: Invitae Variant Classification Sherloc (09022015). Collection method: clinical testing. Allele origin: germline.

Blueprint Genetics
Classification: Likely benign. Last evaluated: 2024-10-08. Review status: criteria provided, single submitter. Criteria: ACMG Guidelines, 2015. Collection method: clinical testing. Allele origin: germline.

GeneDx
Classification: Likely benign. Last evaluated: 2020-11-02. Review status: criteria provided, single submitter. Criteria: GeneDx Variant Classification Process June 2021. Collection method: clinical testing. Allele origin: germline. Affected: yes.

Breakthrough Genomics
Classification: Likely benign. Review status: criteria provided, single submitter. Criteria: ACMG Guidelines, 2015. Collection method: not provided. Allele origin: germline. Inheritance: Autosomal recessive inheritance. Affected: yes.